The following is an entry in ClinVar:

NM_018942.3(HMX1):c.793G>C (p.Glu265Gln)

Gene: HMX1 (H6 family homeobox 1; minus strand). Cytogenetic location: 4p16.1.
Variant type: single nucleotide variant.
Coding change: c.793G>C on transcript NM_018942.3 (MANE Select); coding-DNA position 793, G replaced by C.
Protein change: p.Glu265Gln; replaces glutamic acid 265 with glutamine.
Molecular consequence: missense variant. On other transcripts: intron variant (1).
Genome position (GRCh38, 1-based): chr4:8,867,947, C>G on the plus strand (G>C on the coding strand, the complement: HMX1 is on the minus strand). VCF-style: chr4-8867947-C-G. GRCh37 (hg19) VCF-style: chr4-8869673-C-G.
Other names: c.394+3274G>C (NM_001306142.2); short protein forms E265Q.
Identifiers: ClinVar variation 964070 (VCV000964070.7), dbSNP rs534795074, ClinGen allele CA2854262.

ClinVar aggregate classification (germline): Uncertain significance. Review status: criteria provided, multiple submitters, no conflicts (2 of 4 stars). 2 submissions from 2 submitters: Uncertain significance (2). Last evaluated 2024-08-12.

Conditions:
Inborn genetic diseases. Identifiers: MedGen C0950123, MeSH D030342.

Allele frequency attached by ClinVar (database versions not stated): ExAC 0.00009; TOPMed 0.00019; gnomAD 0.00021 and 0.00023; 1000 Genomes Project 30x 0.00031; 1000 Genomes Project 0.00040.
gnomAD v4.1: 73 of 1,488,788 alleles (0.0049%); highest among the groups gnomAD compares: African/African-American, 0.079%; no homozygotes.

Submissions (2):

Ambry Genetics
Classification: Uncertain significance for Inborn genetic diseases. Last evaluated: 2024-08-12. Review status: criteria provided, single submitter. Criteria: Ambry Variant Classification Scheme 2023. Collection method: clinical testing. Allele origin: germline.

Labcorp Genetics (formerly Invitae), Labcorp
Classification: Uncertain significance. Last evaluated: 2022-10-04. Review status: criteria provided, single submitter. Criteria: Invitae Variant Classification Sherloc (09022015). Collection method: clinical testing. Allele origin: germline.
Comment: This sequence change replaces glutamic acid, which is acidic and polar, with glutamine, which is neutral and polar, at codon 265 of the HMX1 protein (p.Glu265Gln). This variant is present in population databases (rs534795074, gnomAD 0.04%). This variant has not been reported in the literature in individuals affected with HMX1-related conditions. ClinVar contains an entry for this variant (Variation ID: 964070). Advanced modeling of protein sequence and biophysical properties (such as structural, functional, and spatial information, amino acid conservation, physicochemical variation, residue mobility, and thermodynamic stability) performed at Invitae indicates that this missense variant is not expected to disrupt HMX1 protein function. In summary, the available evidence is currently insufficient to determine the role of this variant in disease. Therefore, it has been classified as a Variant of Uncertain Significance.